The following is an entry in ClinVar:

NM_020320.5(RARS2):c.111-15G>A

Gene: RARS2 (arginyl-tRNA synthetase 2, mitochondrial; minus strand). Cytogenetic location: 6q15.
Variant type: single nucleotide variant.
Coding change: c.111-15G>A on transcript NM_020320.5 (MANE Select); 15 bases into the intron before coding-DNA position 111, G replaced by A.
Molecular consequence: intron variant.
Genome position (GRCh38, 1-based): chr6:87,564,247, C>T on the plus strand (G>A on the coding strand, the complement: RARS2 is on the minus strand). VCF-style: chr6-87564247-C-T. GRCh37 (hg19) VCF-style: chr6-88273965-C-T.
Other names: c.111-15G>A (NM_001350505.2); c.-359-15G>A (NM_001350509.2, NM_001318785.2); c.-415-15G>A (NM_001350506.2, NM_001350510.2, NM_001350511.2 and 1 more transcripts); c.-577-15G>A (NM_001350508.2).
Identifiers: ClinVar variation 510746 (VCV000510746.4), dbSNP rs1046165044, ClinGen allele CA142877642.
Genomic context (GRCh38, chr6:87,564,247, plus strand): 5'-TTTTTCCAATAAAGAATCCACAGAAAGCTGAAAATCAGCTACTTCTCTAAAGACAGACAT[C>T]GAAACGAGATAGAACTGTTACCTTAAAAGCATTAGTTGTTAAACAAAGACTAATCACTAT-3'

ClinVar aggregate classification (germline): Likely benign. Review status: criteria provided, multiple submitters, no conflicts (2 of 4 stars). 2 submissions from 2 submitters: Likely benign (2). Last evaluated 2023-12-20.

Allele frequency attached by ClinVar (database versions not stated): gnomAD exomes 0.00001 and 0.00002; gnomAD 0.00003; TOPMed 0.00003.
gnomAD v4.1: 26 of 1,559,884 alleles (0.0017%); highest among the groups gnomAD compares: South Asian, 0.0044%; no homozygotes.

Submissions (2):

Labcorp Genetics (formerly Invitae), Labcorp
Classification: Likely benign. Last evaluated: 2023-12-20. Review status: criteria provided, single submitter. Criteria: Invitae Variant Classification Sherloc (09022015). Collection method: clinical testing. Allele origin: germline.

GeneDx
Classification: Likely benign. Last evaluated: 2017-07-19. Review status: criteria provided, single submitter. Criteria: GeneDx Variant Classification (06012015). Collection method: clinical testing. Allele origin: germline. Affected: yes.
Comment: This variant is considered likely benign or benign based on one or more of the following criteria: it is a conservative change, it occurs at a poorly conserved position in the protein, it is predicted to be benign by multiple in silico algorithms, and/or has population frequency not consistent with disease.